The following is an entry in ClinVar:

NM_000812.4(GABRB1):c.408G>A (p.Val136=)

Gene: GABRB1 (gamma-aminobutyric acid type A receptor subunit beta1; plus strand). Cytogenetic location: 4p12.
Variant type: single nucleotide variant.
Coding change: c.408G>A on transcript NM_000812.4 (MANE Select); coding-DNA position 408, G replaced by A.
Protein change: p.Val136=; no amino-acid change (valine 136 retained).
Molecular consequence: synonymous variant.
Genome position (GRCh38, 1-based): chr4:47,161,416, G>A. VCF-style: chr4-47161416-G-A. GRCh37 (hg19) VCF-style: chr4-47163433-G-A.
Other names: c.408G>A (NM_000812.3).
Identifiers: ClinVar variation 1533148 (VCV001533148.40), dbSNP rs145050185, ClinGen allele CA2907587.

ClinVar aggregate classification (germline): Likely benign. Review status: criteria provided, multiple submitters, no conflicts (2 of 4 stars). 4 submissions from 4 submitters: Likely benign (3). 1 of the submissions does not count toward it. Last evaluated 2026-01-09.

Conditions:
GABRB1-related disorder. Also called: GABRB1-related condition.

Allele frequency attached by ClinVar (database versions not stated): TOPMed 0.00006; ExAC 0.00009; gnomAD exomes 0.00010; gnomAD 0.00012 and 0.00013; ESP Exome Variant Server 0.00015.
gnomAD v4.1: 167 of 1,612,526 alleles (0.01%); highest among the groups gnomAD compares: Middle Eastern, 0.016%; no homozygotes.

Submissions (4):

Labcorp Genetics (formerly Invitae), Labcorp
Classification: Likely benign. Last evaluated: 2026-01-09. Review status: criteria provided, single submitter. Criteria: Invitae Variant Classification Sherloc (09022015). Collection method: clinical testing. Allele origin: germline.

CeGaT Center for Human Genetics Tuebingen
Classification: Likely benign. Last evaluated: 2025-07-01. Review status: criteria provided, single submitter. Criteria: CeGaT Center For Human Genetics Tuebingen Variant Classification Criteria Version 2. Collection method: clinical testing. Allele origin: germline. Affected: yes. Observed: 3 variant alleles.
Comment: GABRB1: BP4, BS2

Blueprint Genetics
Classification: Likely benign. Last evaluated: 2024-11-14. Review status: criteria provided, single submitter. Criteria: ACMG Guidelines, 2015. Collection method: clinical testing. Allele origin: germline.

PreventionGenetics, part of Exact Sciences
Classification: Likely benign for GABRB1-related condition. Last evaluated: 2020-12-07. Review status: no assertion criteria provided. Collection method: clinical testing. Allele origin: germline. Not counted in ClinVar's aggregate classification.
Comment: This variant is classified as likely benign based on ACMG/AMP sequence variant interpretation guidelines (Richards et al. 2015 PMID: 25741868, with internal and published modifications).